The following is an entry in ClinVar:

ClinVar aggregate classification (germline): Uncertain significance. Review status: criteria provided, multiple submitters, no conflicts (2 of 4 stars). 2 submissions from 2 submitters: Uncertain significance (2). Last evaluated 2025-03-05.

Conditions:
Acromesomelic dysplasia 1, Maroteaux type (AMD1). Also called: ST. HELENA DYSPLASIA; ACROMESOMELIC DYSPLASIA 1. Identifiers: Orphanet 40, MedGen C1864356, MONDO:0011275, OMIM 602875.
Tall stature-scoliosis-macrodactyly of the great toes syndrome. Also called: Epiphyseal chondrodysplasia, miura type. Identifiers: Orphanet 329191, MedGen C4014690, MONDO:0014401, OMIM 615923.
Short stature with nonspecific skeletal abnormalities. Identifiers: MedGen C4225399, MONDO:0975810.

Submissions (2):

Labcorp Genetics (formerly Invitae), Labcorp
Classification: Uncertain significance for Tall stature-scoliosis-macrodactyly of the great toes syndrome; Acromesomelic dysplasia 1, Maroteaux type. Last evaluated: 2025-03-05. Review status: criteria provided, single submitter. Criteria: Invitae Variant Classification Sherloc (09022015). Collection method: clinical testing. Allele origin: germline.
Comment: This sequence change replaces histidine, which is basic and polar, with arginine, which is basic and polar, at codon 135 of the NPR2 protein (p.His135Arg). This variant is not present in population databases (gnomAD no frequency). This variant has not been reported in the literature in individuals affected with NPR2-related conditions. ClinVar contains an entry for this variant (Variation ID: 3385377). An algorithm developed to predict the effect of missense changes on protein structure and function (PolyPhen-2) suggests that this variant is likely to be tolerated. In summary, the available evidence is currently insufficient to determine the role of this variant in disease. Therefore, it has been classified as a Variant of Uncertain Significance.

Institute of Human Genetics, University of Leipzig Medical Center
Classification: Uncertain significance for Short stature with nonspecific skeletal abnormalities 1. Last evaluated: 2024-11-22. Review status: criteria provided, single submitter. Criteria: ACMG Guidelines, 2015. Collection method: clinical testing. Allele origin: unknown. Inheritance: Autosomal dominant inheritance. Affected: yes.
Comment: Criteria applied: PM2,PM1_SUP,PP2

NM_003995.4(NPR2):c.404A>G (p.His135Arg)

Gene: NPR2 (natriuretic peptide receptor 2; plus strand). Cytogenetic location: 9p13.3.
Variant type: single nucleotide variant.
Coding change: c.404A>G on transcript NM_003995.4 (MANE Select); coding-DNA position 404, A replaced by G.
Protein change: p.His135Arg; replaces histidine 135 with arginine.
Molecular consequence: missense variant.
Genome position (GRCh38, 1-based): chr9:35,792,812, A>G. VCF-style: chr9-35792812-A-G. GRCh37 (hg19) VCF-style: chr9-35792809-A-G.
Other names: c.404A>G, p.His135Arg (NM_001378923.1); short protein forms H135R.
Identifiers: ClinVar variation 3385377 (VCV003385377.4).